The following is an entry in ClinVar:

NM_001375524.1(TRRAP):c.1483G>A (p.Gly495Ser)

Gene: TRRAP (transformation/transcription domain associated protein; plus strand). Cytogenetic location: 7q22.1.
Variant type: single nucleotide variant.
Coding change: c.1483G>A on transcript NM_001375524.1 (MANE Select); coding-DNA position 1483, G replaced by A.
Protein change: p.Gly495Ser; replaces glycine 495 with serine.
Molecular consequence: missense variant.
Genome position (GRCh38, 1-based): chr7:98,910,188, G>A. VCF-style: chr7-98910188-G-A. GRCh37 (hg19) VCF-style: chr7-98507811-G-A.
Other names: c.1483G>A, p.Gly495Ser (NM_001244580.2, NM_003496.4); short protein forms G495S.
Identifiers: ClinVar variation 4799272 (VCV004799272.1).

ClinVar aggregate classification (germline): Uncertain significance (1 of 4 stars; one submission).

Submission:

Labcorp Genetics (formerly Invitae), Labcorp
Classification: Uncertain significance. Last evaluated: 2025-02-20. Review status: criteria provided, single submitter. Criteria: Invitae Variant Classification Sherloc (09022015). Collection method: clinical testing. Allele origin: germline.
Comment: This sequence change replaces glycine, which is neutral and non-polar, with serine, which is neutral and polar, at codon 495 of the TRRAP protein (p.Gly495Ser). This variant is not present in population databases (gnomAD no frequency). This variant has not been reported in the literature in individuals affected with TRRAP-related conditions. An algorithm developed to predict the effect of missense changes on protein structure and function (PolyPhen-2) suggests that this variant is likely to be disruptive. In summary, the available evidence is currently insufficient to determine the role of this variant in disease. Therefore, it has been classified as a Variant of Uncertain Significance.